The following is an entry in ClinVar:

ClinVar aggregate classification (germline): Pathogenic/Likely pathogenic. Review status: criteria provided, multiple submitters, no conflicts (2 of 4 stars). 2 submissions from 2 submitters: Pathogenic (1); Likely pathogenic (1). Last evaluated 2024-05-30.

Conditions:
Bardet-Biedl syndrome (BBS). Identifiers: Orphanet 110, MedGen C0752166, MONDO:0015229.
Bardet-Biedl syndrome 5 (BBS5). Identifiers: Orphanet 110, MedGen C3892039, MONDO:0014434, OMIM 615983.

Allele frequency attached by ClinVar (database versions not stated): TOPMed below 0.00001; gnomAD 0.00001; ESP Exome Variant Server 0.00008.
gnomAD v4.1: 2 of 1,614,052 alleles (0.00012%); highest among the groups gnomAD compares: African/African-American, 0.0013%; no homozygotes.

Submissions (2):

Fulgent Genetics
Classification: Likely pathogenic for Bardet-Biedl syndrome 5. Last evaluated: 2024-05-30. Review status: criteria provided, single submitter. Criteria: ACMG Guidelines, 2015. Collection method: clinical testing. Allele origin: germline.

Labcorp Genetics (formerly Invitae), Labcorp
Classification: Pathogenic for Bardet-Biedl syndrome. Last evaluated: 2022-03-10. Review status: criteria provided, single submitter. Criteria: Invitae Variant Classification Sherloc (09022015). Collection method: clinical testing. Allele origin: germline.
Comment: This sequence change creates a premature translational stop signal (p.Trp8*) in the BBS5 gene. It is expected to result in an absent or disrupted protein product. Loss-of-function variants in BBS5 are known to be pathogenic (PMID: 15137946, 16877420, 26325687, 27708425, 28041643, 29806606). This variant is present in population databases (rs373396081, gnomAD 0.01%). This variant has not been reported in the literature in individuals affected with BBS5-related conditions. ClinVar contains an entry for this variant (Variation ID: 1071235). For these reasons, this variant has been classified as Pathogenic.

Literature cited by the submitters: PubMed 15137946 (cited by Labcorp Genetics (formerly Invitae), Labcorp); PubMed 16877420 (cited by Labcorp Genetics (formerly Invitae), Labcorp); PubMed 26325687 (cited by Labcorp Genetics (formerly Invitae), Labcorp); PubMed 27708425 (cited by Labcorp Genetics (formerly Invitae), Labcorp); PubMed 28041643 (cited by Labcorp Genetics (formerly Invitae), Labcorp); PubMed 29806606 (cited by Labcorp Genetics (formerly Invitae), Labcorp).

NM_152384.3(BBS5):c.24G>A (p.Trp8Ter)

Genes: BBS5 (Bardet-Biedl syndrome 5; plus strand), LOC129935068 (ATAC-STARR-seq lymphoblastoid active region 16738; plus strand). Cytogenetic location: 2q31.1.
Variant type: single nucleotide variant.
Coding change: c.24G>A on transcript NM_152384.3 (MANE Select); coding-DNA position 24, G replaced by A.
Protein change: p.Trp8Ter; replaces tryptophan 8 with a stop codon.
Molecular consequence: nonsense.
Genome position (GRCh38, 1-based): chr2:169,479,577, G>A. VCF-style: chr2-169479577-G-A. GRCh37 (hg19) VCF-style: chr2-170336087-G-A.
Other names: short protein forms W8*.
Identifiers: ClinVar variation 1071235 (VCV001071235.8), dbSNP rs373396081, ClinGen allele CA1956073.